The following is an entry in ClinVar:

ClinVar aggregate classification (germline): Likely benign (0 of 4 stars; one submission).

Conditions:
NOP56-related disorder. Also called: NOP56-related condition.

Allele frequency attached by ClinVar (database versions not stated): gnomAD exomes 0.00004; ExAC 0.00023; 1000 Genomes Project 0.00040; 1000 Genomes Project 30x 0.00047; TOPMed 0.00067; gnomAD 0.00068; ESP Exome Variant Server 0.00069.
gnomAD v4.1: 167 of 1,614,062 alleles (0.01%); highest among the groups gnomAD compares: African/African-American, 0.2%; no homozygotes.

Submission:

PreventionGenetics, part of Exact Sciences
Classification: Likely benign for NOP56-related condition. Last evaluated: 2020-10-22. Review status: no assertion criteria provided. Collection method: clinical testing. Allele origin: germline.
Comment: This variant is classified as likely benign based on ACMG/AMP sequence variant interpretation guidelines (Richards et al. 2015 PMID: 25741868, with internal and published modifications).

NM_006392.4(NOP56):c.1419+3C>T

Gene: NOP56 (NOP56 ribonucleoprotein; plus strand). Cytogenetic location: 20p13.
Variant type: single nucleotide variant.
Coding change: c.1419+3C>T on transcript NM_006392.4 (MANE Select); 3 bases into the intron after coding-DNA position 1419, C replaced by T.
Molecular consequence: intron variant.
Genome position (GRCh38, 1-based): chr20:2,657,221, C>T. VCF-style: chr20-2657221-C-T. GRCh37 (hg19) VCF-style: chr20-2637867-C-T.
Identifiers: ClinVar variation 3036190 (VCV003036190.2), dbSNP rs200308757, ClinGen allele CA9734837.